The following is an entry in ClinVar:

ClinVar aggregate classification (germline): Conflicting classifications of pathogenicity. Review status: criteria provided, conflicting classifications (1 of 4 stars). 2 submissions from 2 submitters: Uncertain significance (1); Likely benign (1). Last evaluated 2025-10-29.

Conditions:
Hereditary cancer-predisposing syndrome. Also called: Tumor predisposition; Neoplastic Syndromes, Hereditary; Hereditary Cancer Syndrome; Hereditary neoplastic syndrome. Identifiers: Orphanet 140162, MedGen C0027672, MeSH D009386, MONDO:0015356.
Tumor predisposition syndrome 3 (TPDS3). Also called: Melanoma, cutaneous malignant, susceptibility to, 10; LONG TELOMERE SYNDROME, POT1-RELATED; POT1 Tumor Predisposition; Glioma susceptibility 9. Identifiers: Orphanet 618, MedGen C4014476, MONDO:0014368, OMIM 615848.

gnomAD v4.1: 7 of 1,606,036 alleles (0.00044%); highest among the groups gnomAD compares: Non-Finnish European, 0.0006%; no homozygotes.

Submissions (2):

Labcorp Genetics (formerly Invitae), Labcorp
Classification: Uncertain significance for Tumor predisposition syndrome 3. Last evaluated: 2025-10-29. Review status: criteria provided, single submitter. Criteria: Invitae Variant Classification Sherloc (09022015). Collection method: clinical testing. Allele origin: germline.
Comment: This sequence change replaces threonine, which is neutral and polar, with alanine, which is neutral and non-polar, at codon 522 of the POT1 protein (p.Thr522Ala). This variant is not present in population databases (gnomAD no frequency). This variant has not been reported in the literature in individuals affected with POT1-related conditions. ClinVar contains an entry for this variant (Variation ID: 1460852). Invitae Evidence Modeling of protein sequence and biophysical properties (such as structural, functional, and spatial information, amino acid conservation, physicochemical variation, residue mobility, and thermodynamic stability) indicates that this missense variant is not expected to disrupt POT1 protein function with a negative predictive value of 80%. In summary, the available evidence is currently insufficient to determine the role of this variant in disease. Therefore, it has been classified as a Variant of Uncertain Significance.

Ambry Genetics
Classification: Likely benign for Hereditary cancer-predisposing syndrome. Last evaluated: 2025-01-29. Review status: criteria provided, single submitter. Criteria: Ambry Variant Classification Scheme 2023. Collection method: clinical testing. Allele origin: germline.

NM_015450.3(POT1):c.1564A>G (p.Thr522Ala)

Gene: POT1 (protection of telomeres 1; minus strand). Cytogenetic location: 7q31.33.
Variant type: single nucleotide variant.
Coding change: c.1564A>G on transcript NM_015450.3 (MANE Select); coding-DNA position 1564, A replaced by G.
Protein change: p.Thr522Ala; replaces threonine 522 with alanine.
Molecular consequence: missense variant. On other transcripts: non-coding transcript variant (2).
Genome position (GRCh38, 1-based): chr7:124,829,284, T>C on the plus strand (A>G on the coding strand, the complement: POT1 is on the minus strand). VCF-style: chr7-124829284-T-C. GRCh37 (hg19) VCF-style: chr7-124469338-T-C.
Other names: c.1171A>G, p.Thr391Ala (NM_001042594.2); c.1564A>G (NM_015450.2); short protein forms T391A, T522A.
Identifiers: ClinVar variation 1460852 (VCV001460852.8), dbSNP rs2116422065, ClinGen allele CA369064429.
Genomic context (GRCh38, chr7:124,829,284, plus strand): 5'-AAAATTGCAGGGCATGGAAATTTAGCTAACCTTCTGCCACAGAAGAAGGAATCCACGATG[T>C]TTTATCAACCAGGGAATTTAGATTTTGTATGGATCTCAAACTAGAACACTGTTTACATCT-3'
Protein context (NP_056265.2, residues 512-532): IQNLNSLVDK[Thr522Ala]SWIPSSVAEA